The following is an entry in ClinVar:

NM_001267550.2(TTN):c.59836_59842del (p.Gln19946fs)

Genes: TTN (titin; minus strand), TTN-AS1 (TTN antisense RNA 1; plus strand), LOC126806424 (CDK7 strongly-dependent group 2 enhancer GRCh37_chr2:179456337-179457536; plus strand). Cytogenetic location: 2q31.2.
Variant type: Deletion.
Coding change: c.59836_59842del on transcript NM_001267550.2 (MANE Select); coding-DNA positions 59836 to 59842, 7 bases deleted (CAGTACC; older notation c.59836_59842delCAGTACC).
Protein change: p.Gln19946fs; shifts the reading frame from glutamine 19946.
Molecular consequence: frameshift variant.
Genome position (GRCh38, 1-based): chr2:178,592,062-178,592,068, GGTACTG deleted on the plus strand (CAGTACC on the coding strand, the reverse complement: TTN is on the minus strand); deleting any 7 consecutive bases within chr2:178,592,062-178,592,069 gives the same sequence; the c. name uses the placement nearest the transcript's 3' end. VCF-style (leftmost placement, unchanged base first): chr2-178592061-AGGTACTG-A. GRCh37 (hg19) VCF-style: chr2-179456788-AGGTACTG-A.
Other names: c.54913_54919del, p.Gln18305fs (NM_001256850.1); c.32641_32647del, p.Gln10881fs (NM_003319.4); c.52132_52138del, p.Gln17378fs (NM_133378.4); c.33016_33022del, p.Gln11006fs (NM_133432.3); c.33217_33223del, p.Gln11073fs (NM_133437.4); c.32641_32647delCAGTACC (NM_003319.4); short protein forms Q17378fs, Q18305fs, Q11006fs, Q11073fs, Q10881fs, Q19946fs.
Identifiers: ClinVar variation 3330131 (VCV003330131.1).

ClinVar aggregate classification (germline): Likely pathogenic (1 of 4 stars; one submission).

Conditions:
Cardiovascular phenotype. Identifiers: MedGen CN230736.

Submission:

Ambry Genetics
Classification: Likely pathogenic for Cardiovascular phenotype. Last evaluated: 2024-06-13. Review status: criteria provided, single submitter. Criteria: Ambry Variant Classification Scheme 2023. Collection method: clinical testing. Allele origin: germline.
Comment: The c.32641_32647delCAGTACC variant, located in coding exon 129 of the TTN gene, results from a deletion of 7 nucleotides at nucleotide positions 32641 to 32647, causing a translational frameshift with a predicted alternate stop codon (p.Q10881Sfs*4). This exon is located in the A-band region of the N2-B isoform of the titin protein and is constitutively expressed in TTN transcripts (percent spliced in or PSI 100%). This alteration is expected to result in loss of function by premature protein truncation or nonsense-mediated mRNA decay. While truncating variants in TTN are present in 1-3% of the general population, truncating variants in the A-band are the most common cause of dilated cardiomyopathy (DCM) (Herman DS et al. N. Engl. J. Med., 2012 Feb;366:619-28; Roberts AM et al. Sci Transl Med, 2015 Jan;7:270ra6). TTN truncating variants encoded in constitutive exons (PSI >90%) have been found to be significantly associated with DCM regardless of their position in titin (Schafer S et al. Nat. Genet., 2017 01;49:46-53). This variant is considered to be rare based on population cohorts in the Genome Aggregation Database (gnomAD). Based on the majority of available evidence to date, this variant is likely to be pathogenic.